The following is an entry in ClinVar:

NM_000179.3(MSH6):c.284T>G (p.Leu95Trp)

Gene: MSH6 (mutS homolog 6; plus strand). Cytogenetic location: 2p16.3.
Variant type: single nucleotide variant.
Coding change: c.284T>G on transcript NM_000179.3 (MANE Select); coding-DNA position 284, T replaced by G.
Protein change: p.Leu95Trp; replaces leucine 95 with tryptophan.
Molecular consequence: missense variant. On other transcripts: 5 prime UTR variant (2), intron variant (1).
Genome position (GRCh38, 1-based): chr2:47,790,950, T>G. VCF-style: chr2-47790950-T-G. GRCh37 (hg19) VCF-style: chr2-48018089-T-G.
Other names: c.-453T>G (NM_001281493.2); c.-619T>G (NM_001281494.2); c.237+7480T>G (NM_001281492.2); short protein forms L95W.
Identifiers: ClinVar variation 1023485 (VCV001023485.9), dbSNP rs1668685873, ClinGen allele CA346736595.

ClinVar aggregate classification (germline): Uncertain significance (1 of 4 stars; one submission).

Conditions:
Hereditary nonpolyposis colorectal neoplasms. Identifiers: MedGen C0009405, MeSH D003123.

Submission:

Labcorp Genetics (formerly Invitae), Labcorp
Classification: Uncertain significance for Hereditary nonpolyposis colorectal neoplasms. Last evaluated: 2020-07-16. Review status: criteria provided, single submitter. Criteria: Invitae Variant Classification Sherloc (09022015). Collection method: clinical testing. Allele origin: germline.
Comment: This sequence change replaces leucine with tryptophan at codon 95 of the MSH6 protein (p.Leu95Trp). The leucine residue is moderately conserved and there is a small physicochemical difference between leucine and tryptophan. This variant is not present in population databases (ExAC no frequency). This variant has not been reported in the literature in individuals with MSH6-related conditions. Algorithms developed to predict the effect of missense changes on protein structure and function are either unavailable or do not agree on the potential impact of this missense change (SIFT: "Deleterious"; PolyPhen-2: "Probably Damaging"; Align-GVGD: "Class C15"). In summary, the available evidence is currently insufficient to determine the role of this variant in disease. Therefore, it has been classified as a Variant of Uncertain Significance.